The following is an entry in ClinVar:

ClinVar aggregate classification (germline): Uncertain significance. Review status: criteria provided, multiple submitters, no conflicts (2 of 4 stars). 4 submissions from 4 submitters: Uncertain significance (4). Last evaluated 2026-09-24.

Conditions:
Autosomal recessive hypophosphatemic bone disease (HHRH). Also called: HYPERCALCIURIC RICKETS; Hypophosphatemic rickets with hypercalciuria. Identifiers: Orphanet 157215, MedGen C1853271, MONDO:0009431, OMIM 241530.
SLC34A3-related disorder. Also called: SLC34A3-related condition.

Allele frequency attached by ClinVar (database versions not stated): ExAC 0.00003; gnomAD exomes 0.00003 and 0.00004; TOPMed 0.00006; gnomAD 0.00007 and 0.00008.
gnomAD v4.1: 53 of 1,612,518 alleles (0.0033%); highest among the groups gnomAD compares: Non-Finnish European, 0.0039%; no homozygotes.

Submissions (4):

PreventionGenetics, part of Exact Sciences
Classification: Uncertain significance for SLC34A3-related condition. Last evaluated: 2026-09-24. Review status: criteria provided, single submitter. Criteria: ACMG Guidelines, 2015. Collection method: clinical testing. Allele origin: germline.
Comment: The SLC34A3 c.1415C>T variant is predicted to result in the amino acid substitution p.Pro472Leu. This variant has been reported in the literature with the presence of a second pathogenic SLC34A3 variant in an individual with hypophosphatemic rickets with hypercalciuria (Naciri Bennani et al. 2024. PubMed ID: 39256228). This variant is reported in 0.0088% of alleles in individuals of European (non-Finnish) descent in gnomAD. At this time, the clinical significance of this variant is uncertain due to the absence of conclusive functional and genetic evidence.

GeneDx
Classification: Uncertain significance. Last evaluated: 2023-04-10. Review status: criteria provided, single submitter. Criteria: GeneDx Variant Classification Process June 2021. Collection method: clinical testing. Allele origin: germline. Affected: yes.
Comment: In silico analysis supports that this missense variant does not alter protein structure/function; Has not been previously published as pathogenic or benign to our knowledge

Labcorp Genetics (formerly Invitae), Labcorp
Classification: Uncertain significance. Last evaluated: 2022-07-05. Review status: criteria provided, single submitter. Criteria: Invitae Variant Classification Sherloc (09022015). Collection method: clinical testing. Allele origin: germline.
Comment: This sequence change replaces proline, which is neutral and non-polar, with leucine, which is neutral and non-polar, at codon 472 of the SLC34A3 protein (p.Pro472Leu). This variant is present in population databases (rs750347570, gnomAD 0.006%). This variant has not been reported in the literature in individuals affected with SLC34A3-related conditions. ClinVar contains an entry for this variant (Variation ID: 1429383). Algorithms developed to predict the effect of missense changes on protein structure and function are either unavailable or do not agree on the potential impact of this missense change (SIFT: "Tolerated"; PolyPhen-2: "Probably Damaging"; Align-GVGD: "Class C0"). In summary, the available evidence is currently insufficient to determine the role of this variant in disease. Therefore, it has been classified as a Variant of Uncertain Significance.

Fulgent Genetics
Classification: Uncertain significance for Autosomal recessive hypophosphatemic bone disease. Last evaluated: 2022-05-16. Review status: criteria provided, single submitter. Criteria: ACMG Guidelines, 2015. Collection method: clinical testing. Allele origin: unknown.

NM_001177316.2(SLC34A3):c.1415C>T (p.Pro472Leu)

Gene: SLC34A3 (solute carrier family 34 member 3; plus strand). Cytogenetic location: 9q34.3.
Variant type: single nucleotide variant.
Coding change: c.1415C>T on transcript NM_001177316.2 (MANE Select); coding-DNA position 1415, C replaced by T.
Protein change: p.Pro472Leu; replaces proline 472 with leucine.
Molecular consequence: missense variant.
Genome position (GRCh38, 1-based): chr9:137,236,031, C>T. VCF-style: chr9-137236031-C-T. GRCh37 (hg19) VCF-style: chr9-140130483-C-T.
Other names: c.1415C>T, p.Pro472Leu (NM_001177317.2, NM_080877.3); short protein forms P472L.
Identifiers: ClinVar variation 1429383 (VCV001429383.7), dbSNP rs750347570, ClinGen allele CA5364942.
Genomic context (GRCh38, chr9:137,236,031, plus strand): 5'-TCTTCAACCTGGCCGGCATCCTGCTGTGGTACCTGGTGCCTGCACTGCGGCTGCCCATCC[C>T]GCTGGCCAGGCACTTCGGGGTGGTGACCGCCCGTTACCGCTGGGTGGCTGGGGTCTACCT-3'
Protein context (NP_001170787.2, residues 462-482): YLVPALRLPI[Pro472Leu]LARHFGVVTA